The following is an entry in ClinVar:

ClinVar aggregate classification (germline): Conflicting classifications of pathogenicity. Review status: criteria provided, conflicting classifications (1 of 4 stars). 4 submissions from 4 submitters: Uncertain significance (2); Likely benign (1). 1 of the submissions does not count toward it. Last evaluated 2026-01-16.

Conditions:
DICER1-related disorder. Also called: DICER1-related condition.
DICER1-related tumor predisposition. Also called: DICER1-related pleuropulmonary blastoma cancer predisposition syndrome; DICER1 syndrome. Identifiers: Orphanet 284343, MedGen C3839822, MONDO:0100216.
Hereditary cancer-predisposing syndrome. Also called: Tumor predisposition; Neoplastic Syndromes, Hereditary; Hereditary Cancer Syndrome; Hereditary neoplastic syndrome. Identifiers: Orphanet 140162, MedGen C0027672, MeSH D009386, MONDO:0015356.

Allele frequency attached by ClinVar (database versions not stated): gnomAD exomes 0.00001 and 0.00003; ExAC 0.00002; gnomAD 0.00005; ESP Exome Variant Server 0.00008; TOPMed 0.00009; 1000 Genomes Project 30x 0.00016; 1000 Genomes Project 0.00020.
gnomAD v4.1: 24 of 1,614,206 alleles (0.0015%); highest among the groups gnomAD compares: African/African-American, 0.028%; no homozygotes.

Submissions (4):

Labcorp Genetics (formerly Invitae), Labcorp
Classification: Likely benign for DICER1-related tumor predisposition. Last evaluated: 2026-01-16. Review status: criteria provided, single submitter. Criteria: Invitae Variant Classification Sherloc (09022015). Collection method: clinical testing. Allele origin: germline.

Ambry Genetics
Classification: Uncertain significance for Hereditary cancer-predisposing syndrome. Last evaluated: 2025-02-05. Review status: criteria provided, single submitter. Criteria: Ambry Variant Classification Scheme 2023. Collection method: clinical testing. Allele origin: germline.
Comment: The p.A1602G variant (also known as c.4805C>G), located in coding exon 22 of the DICER1 gene, results from a C to G substitution at nucleotide position 4805. The alanine at codon 1602 is replaced by glycine, an amino acid with similar properties. This amino acid position is not well conserved in available vertebrate species. In addition, this alteration is predicted to be tolerated by in silico analysis. Since supporting evidence is limited at this time, the clinical significance of this alteration remains unclear.

Sema4
Classification: Uncertain significance for Hereditary cancer-predisposing syndrome. Last evaluated: 2022-01-10. Review status: criteria provided, single submitter. Criteria: Sema4 Curation Guidelines. Collection method: curation. Allele origin: germline.
Comment: To the best of our knowledge, the DICER1 c.4805C>G (p.A1602G) variant has not been reported in individuals with DICER1-related disease. It was observed in 9/24966 chromosomes of the African/African American subpopulation in the large and broad cohorts of the Genome Aggregation Database (PMID: 32461654). The variant has been reported in ClinVar (Variation ID 479635). Functional studies have not been performed, and in silico predictions of the variant's effect on protein function are inconclusive. The evidence is insufficient to meet ACMG/AMP criteria for classifying the variant as benign or pathogenic. Thus, the clinical significance of this variant is currently uncertain.

PreventionGenetics, part of Exact Sciences
Classification: Likely benign for DICER1-related condition. Last evaluated: 2023-07-25. Review status: no assertion criteria provided. Collection method: clinical testing. Allele origin: germline. Not counted in ClinVar's aggregate classification.
Comment: This variant is classified as likely benign based on ACMG/AMP sequence variant interpretation guidelines (Richards et al. 2015 PMID: 25741868, with internal and published modifications).

NM_177438.3(DICER1):c.4805C>G (p.Ala1602Gly)

Gene: DICER1 (dicer 1, ribonuclease III; minus strand). Cytogenetic location: 14q32.13.
Variant type: single nucleotide variant.
Coding change: c.4805C>G on transcript NM_177438.3 (MANE Select); coding-DNA position 4805, C replaced by G.
Protein change: p.Ala1602Gly; replaces alanine 1602 with glycine.
Molecular consequence: missense variant.
Genome position (GRCh38, 1-based): chr14:95,096,115, G>C on the plus strand (C>G on the coding strand, the complement: DICER1 is on the minus strand). VCF-style: chr14-95096115-G-C. GRCh37 (hg19) VCF-style: chr14-95562452-G-C.
Other names: c.4805C>G, p.Ala1602Gly (NM_001195573.1, NM_001271282.3, NM_001291628.2 and 1 more transcripts); short protein forms A1602G.
Identifiers: ClinVar variation 479635 (VCV000479635.19), dbSNP rs148955573, ClinGen allele CA7330794.